The following is an entry in ClinVar:

NM_007294.4(BRCA1):c.198T>C (p.Asn66=)

Gene: BRCA1 (BRCA1 DNA repair associated; minus strand). Cytogenetic location: 17q21.31.
Variant type: single nucleotide variant.
Coding change: c.198T>C on transcript NM_007294.4 (MANE Select); coding-DNA position 198, T replaced by C.
Protein change: p.Asn66=; no amino-acid change (asparagine 66 retained).
Molecular consequence: synonymous variant. On other transcripts: intron variant (95).
Genome position (GRCh38, 1-based): chr17:43,106,470, A>G on the plus strand (T>C on the coding strand, the complement: BRCA1 is on the minus strand). VCF-style: chr17-43106470-A-G. GRCh37 (hg19) VCF-style: chr17-41258487-A-G.
Other names: c.198T>C, p.Asn66= (NM_001407581.1, NM_001407582.1, NM_001407583.1 and 168 more transcripts); c.57T>C, p.Asn19= (NM_001407692.1, NM_001407694.1, NM_001407695.1 and 99 more transcripts); c.-218-11610T>C (NM_001407967.1, NM_001407966.1); c.-169-1514T>C (NM_001407959.1, NM_001407962.1, NM_001408512.1 and 4 more transcripts); c.2+8T>C (NM_001407885.1, NM_001407886.1, NM_001407898.1 and 58 more transcripts); c.81-1514T>C (NM_001408451.1); c.135-1514T>C (NM_001408475.1, NM_001407875.1, NM_001407659.1 and 21 more transcripts).
Identifiers: ClinVar variation 240778 (VCV000240778.21), dbSNP rs878854936, ClinGen allele CA10583597.

ClinVar aggregate classification (germline): Likely benign. Review status: reviewed by expert panel (3 of 4 stars). 6 submissions from 6 submitters: Likely benign (1). 5 of the submissions do not count toward it. Last evaluated 2017-06-29.

Conditions:
BRCA1-related cancer predisposition. Identifiers: MedGen CN377757, MONDO:0700268.
Hereditary breast ovarian cancer syndrome. Also called: Hereditary breast and ovarian cancer syndrome (HBOC); Breast and ovarian cancer; Hereditary breast and ovarian cancer syndrome; Hereditary breast and ovarian cancer; BRCA1- and BRCA2-Associated Hereditary Breast and Ovarian Cancer; Hereditary breast and/or ovarian cancer syndrome. Identifiers: Orphanet 145, MedGen C0677776, MeSH D061325, MONDO:0003582. Disease mechanism: loss of function.
Hereditary cancer-predisposing syndrome. Also called: Hereditary Cancer Syndrome; Neoplastic Syndromes, Hereditary; Hereditary neoplastic syndrome; Tumor predisposition. Identifiers: Orphanet 140162, MedGen C0027672, MeSH D009386, MONDO:0015356.
Breast-ovarian cancer, familial, susceptibility to, 1 (BROVCA1). Also called: BRCA1 Hereditary Breast and Ovarian Cancer; OVARIAN CANCER, SUSCEPTIBILITY TO. Identifiers: Orphanet 145, MedGen C2676676, MONDO:0011450, OMIM 604370. Disease mechanism: loss of function.

gnomAD v4.1: 3 of 1,597,900 alleles (0.00019%); highest among the groups gnomAD compares: East Asian, 0.0067%; no homozygotes.

Submissions (7):

Evidence-based Network for the Interpretation of Germline Mutant Alleles (ENIGMA)
Classification: Likely benign for Breast-ovarian cancer, familial, susceptibility to, 1. Last evaluated: 2017-06-29. Review status: reviewed by expert panel. Criteria: ENIGMA BRCA1/2 Classification Criteria (2017-06-29). Collection method: curation. Allele origin: germline.
Comment: Synonymous substitution variant, with low bioinformatic likelihood to result in a splicing aberration (Splicing prior probability 0.02).

Labcorp Genetics (formerly Invitae), Labcorp
Classification: Likely benign for Hereditary breast ovarian cancer syndrome. Last evaluated: 2025-08-07. Review status: criteria provided, single submitter. Criteria: Invitae Variant Classification Sherloc (09022015). Collection method: clinical testing. Allele origin: germline. Not counted in ClinVar's aggregate classification.

All of Us Research Program, National Institutes of Health
Classification: Likely benign for BRCA1-related cancer predisposition. Last evaluated: 2024-05-30. Review status: criteria provided, single submitter. Criteria: ACMG Guidelines, 2015. Collection method: clinical testing. Allele origin: germline. Inheritance: Autosomal dominant inheritance. Observed: 1 variant allele, 1 heterozygote. Not counted in ClinVar's aggregate classification.
Comment: This study involves interpretation of variants in research participants for the purpose of population health screening. Participant phenotype was not available at the time of variant classification. Additional details can be found in publication PMID: 35346344, PMCID: PMC8962531

Color Diagnostics, LLC DBA Color Health
Classification: Likely benign for Hereditary cancer-predisposing syndrome. Last evaluated: 2020-03-09. Review status: criteria provided, single submitter. Criteria: ACMG Guidelines, 2015. Collection method: clinical testing. Allele origin: germline. Not counted in ClinVar's aggregate classification.

Women's Health and Genetics/Laboratory Corporation of America, LabCorp
Classification: Likely benign. Last evaluated: 2019-02-08. Review status: criteria provided, single submitter. Criteria: LabCorp Variant Classification Summary - May 2015. Collection method: clinical testing. Allele origin: germline. Not counted in ClinVar's aggregate classification.
Comment: Variant summary: BRCA1 c.198T>C alters a non-conserved nucleotide resulting in a synonymous change. 5/5 computational tools predict no significant impact on normal splicing. However, these predictions have yet to be confirmed by functional studies. The variant was absent in 276354 control chromosomes. The available data on variant occurrences in the general population are insufficient to allow any conclusion about variant significance. c.198T>C has been reported in the literature in individuals affected with Breast or Ovarian Cancer (Ryu_2017). These report(s) do not provide unequivocal conclusions about association of the variant with Hereditary Breast and Ovarian Cancer. At least one publication reports experimental evidence evaluating an impact on protein function. These results showed no damaging effect of this variant (Findlay_2018). Four clinical diagnostic laboratories have submitted clinical-significance assessments for this variant to ClinVar after 2014 without evidence for independent evaluation, three of these four have classified this variant as likely benign. Based on the evidence outlined above, the variant was classified as likely benign.

Ambry Genetics
Classification: Likely benign for Hereditary cancer-predisposing syndrome. Last evaluated: 2015-10-19. Review status: criteria provided, single submitter. Criteria: Ambry Variant Classification Scheme 2023. Collection method: clinical testing. Allele origin: germline. Not counted in ClinVar's aggregate classification.

Brotman Baty Institute, University of Washington
No classification provided (evidence only). Condition: Breast-ovarian cancer, familial 1. Review status: no classification provided. Collection method: in vitro. Allele origin: not applicable. Functional consequence: functionally_normal. Not counted in ClinVar's aggregate classification.
ClinVar note: "not provided" was previously submitted as the classification for the variant. However, the classification appeared to be based only on an observation of functional data so it was converted to no classification on 2025-07-30.